The following is an entry in ClinVar:

ClinVar aggregate classification (germline): Uncertain significance (1 of 4 stars; one submission).

Conditions:
Hereditary diffuse gastric adenocarcinoma (HDGC). Also called: DIFFUSE GASTRIC AND LOBULAR BREAST CANCER SYNDROME. Identifiers: Orphanet 26106, MedGen C1708349, MONDO:0007648, OMIM 137215.

Submission:

Labcorp Genetics (formerly Invitae), Labcorp
Classification: Uncertain significance for Hereditary diffuse gastric adenocarcinoma. Last evaluated: 2020-03-03. Review status: criteria provided, single submitter. Criteria: Invitae Variant Classification Sherloc (09022015). Collection method: clinical testing. Allele origin: germline.
Comment: This sequence change replaces asparagine with lysine at codon 531 of the CDH1 protein (p.Asn531Lys). The asparagine residue is weakly conserved and there is a moderate physicochemical difference between asparagine and lysine. This variant is not present in population databases (ExAC no frequency). This variant has not been reported in the literature in individuals with CDH1-related conditions. Algorithms developed to predict the effect of missense changes on protein structure and function output the following: SIFT: "Tolerated"; PolyPhen-2: "Benign"; Align-GVGD: "Class C0". The lysine amino acid residue is found in multiple mammalian species, suggesting that this missense change does not adversely affect protein function. These predictions have not been confirmed by published functional studies and their clinical significance is uncertain. In summary, the available evidence is currently insufficient to determine the role of this variant in disease. Therefore, it has been classified as a Variant of Uncertain Significance.

NM_004360.5(CDH1):c.1593C>A (p.Asn531Lys)

Gene: CDH1 (cadherin 1; plus strand). Cytogenetic location: 16q22.1.
Variant type: single nucleotide variant.
Coding change: c.1593C>A on transcript NM_004360.5 (MANE Select); coding-DNA position 1593, C replaced by A.
Protein change: p.Asn531Lys; replaces asparagine 531 with lysine.
Molecular consequence: missense variant. On other transcripts: intron variant (1).
Genome position (GRCh38, 1-based): chr16:68,819,307, C>A. VCF-style: chr16-68819307-C-A. GRCh37 (hg19) VCF-style: chr16-68853210-C-A.
Other names: c.1410C>A, p.Asn470Lys (NM_001317184.2); c.45C>A, p.Asn15Lys (NM_001317185.2); c.-254-2694C>A (NM_001317186.2); short protein forms N470K, N15K, N531K.
Identifiers: ClinVar variation 1037386 (VCV001037386.9), dbSNP rs1596960362, ClinGen allele CA396464940.